The following is an entry in ClinVar:

NM_000166.6(GJB1):c.593C>T (p.Ser198Phe)

Gene: GJB1 (gap junction protein beta 1; plus strand). Cytogenetic location: Xq13.1.
Variant type: single nucleotide variant.
Coding change: c.593C>T on transcript NM_000166.6 (MANE Select); coding-DNA position 593, C replaced by T.
Protein change: p.Ser198Phe; replaces serine 198 with phenylalanine.
Molecular consequence: missense variant.
Genome position (GRCh38, 1-based): chrX:71,224,300, C>T. VCF-style: chrX-71224300-C-T. GRCh37 (hg19) VCF-style: chrX-70444150-C-T.
Other names: c.593C>T, p.Ser198Phe (NM_001097642.3); short protein forms S198F.
Identifiers: ClinVar variation 637575 (VCV000637575.3), dbSNP rs1602349716, ClinGen allele CA413503252.

ClinVar aggregate classification (germline): Likely pathogenic. Review status: criteria provided, single submitter (1 of 4 stars). 2 submissions from 2 submitters: Likely pathogenic (1). 1 of the submissions does not count toward it. Last evaluated 2021-12-14.

Conditions:
Charcot-Marie-Tooth disease X-linked dominant 1. Also called: Charcot-Marie-Tooth Neuropathy X Type 1; X-linked Charcot-Marie-Tooth disease type 1; GJB1 Disorders: Charcot-Marie-Tooth Neuropathy (CMT1X) and Central Nervous System Phenotypes; CHARCOT-MARIE-TOOTH NEUROPATHY, X-LINKED, 1; CHARCOT-MARIE-TOOTH PERONEAL MUSCULAR ATROPHY, X-LINKED; HEREDITARY MOTOR AND SENSORY NEUROPATHY, X-LINKED. Identifiers: Orphanet 101075, MedGen C0393808, MONDO:0010549, OMIM 302800.
Charcot-Marie-Tooth disease. Also called: Charcot-Marie-Tooth Hereditary Neuropathy; Charcot-Marie-Tooth Neuropathy. Identifiers: Orphanet 166, MedGen C0007959, MONDO:0015626.

Submissions (2):

MGZ Medical Genetics Center
Classification: Likely pathogenic for Charcot-Marie-Tooth disease X-linked dominant 1. Last evaluated: 2021-12-14. Review status: criteria provided, single submitter. Criteria: ACMG Guidelines, 2015. Collection method: clinical testing. Allele origin: germline. Affected: yes. Observed: 1 variant allele.
Comment: ACMG criteria applied: PM1, PM5, PM2_SUP, PP2, PP3

Inherited Neuropathy Consortium
Classification: Uncertain significance for Charcot-Marie-Tooth disease. Review status: no assertion criteria provided. Collection method: literature only. Allele origin: germline. Affected: yes. Not counted in ClinVar's aggregate classification.

Literature cited by the submitters: PubMed 9361298 (cited by Inherited Neuropathy Consortium).